The following is an entry in ClinVar:

ClinVar aggregate classification (germline): Uncertain significance. Review status: criteria provided, multiple submitters, no conflicts (2 of 4 stars). 2 submissions from 2 submitters: Uncertain significance (2). Last evaluated 2026-05-14.

Conditions:
HCK-related condition.

Submissions (2):

PreventionGenetics, part of Exact Sciences
Classification: Uncertain significance for HCK-related condition. Last evaluated: 2026-05-14. Review status: criteria provided, single submitter. Criteria: ACMG Guidelines, 2015. Collection method: clinical testing. Allele origin: germline.
Comment: The HCK c.622T>G variant is predicted to result in the amino acid substitution p.Phe208Val. To our knowledge, this variant has not been reported in the literature. This variant is reported in 0.0065% of alleles in individuals of South Asian descent in gnomAD. At this time, the clinical significance of this variant is uncertain due to the absence of conclusive functional and genetic evidence.

Ambry Genetics
Classification: Uncertain significance. Last evaluated: 2025-01-20. Review status: criteria provided, single submitter. Criteria: Ambry Variant Classification Scheme 2023. Collection method: clinical testing. Allele origin: germline.

NM_002110.5(HCK):c.622T>G (p.Phe208Val)

Gene: HCK (HCK proto-oncogene, Src family tyrosine kinase; plus strand). Cytogenetic location: 20q11.21.
Variant type: single nucleotide variant.
Coding change: c.622T>G on transcript NM_002110.5 (MANE Select); coding-DNA position 622, T replaced by G.
Protein change: p.Phe208Val; replaces phenylalanine 208 with valine.
Molecular consequence: missense variant.
Genome position (GRCh38, 1-based): chr20:32,083,983, T>G. VCF-style: chr20-32083983-T-G. GRCh37 (hg19) VCF-style: chr20-30671786-T-G.
Other names: c.559T>G, p.Phe187Val (NM_001172129.3, NM_001172133.3); c.619T>G, p.Phe207Val (NM_001172130.3); c.556T>G, p.Phe186Val (NM_001172131.3); c.562T>G, p.Phe188Val (NM_001172132.3); short protein forms F187V, F207V, F208V, F186V, F188V.
Identifiers: ClinVar variation 3856966 (VCV003856966.2).